The following is an entry in ClinVar:

ClinVar aggregate classification (germline): Uncertain significance. Review status: criteria provided, multiple submitters, no conflicts (2 of 4 stars). 2 submissions from 2 submitters: Uncertain significance (2). Last evaluated 2026-04-21.

Conditions:
Obesity due to prohormone convertase I deficiency. Also called: OBESITY AND ENDOCRINOPATHY DUE TO IMPAIRED PROCESSING OF PROHORMONES. Identifiers: Orphanet 71528, MedGen C1833053, MONDO:0010961, OMIM 600955.
Body mass index quantitative trait locus 12 (BMIQ12). Also called: Obesity, susceptibility to, BMIQ12; OBESITY (BMIQ12), SUSCEPTIBILITY TO. Identifiers: MedGen C2676498, OMIM 612362.
PCSK1-related disorder. Also called: PCSK1-related condition.

Allele frequency attached by ClinVar (database versions not stated): ExAC 0.00002; gnomAD 0.00002.
gnomAD v4.1: 72 of 1,614,082 alleles (0.0045%); highest among the groups gnomAD compares: Middle Eastern, 0.099%; no homozygotes.

Submissions (2):

PreventionGenetics, part of Exact Sciences
Classification: Uncertain significance for PCSK1-related condition. Last evaluated: 2026-04-21. Review status: criteria provided, single submitter. Criteria: ACMG Guidelines, 2015. Collection method: clinical testing. Allele origin: germline.
Comment: The PCSK1 c.1381G>A variant is predicted to result in the amino acid substitution p.Val461Met. This variant has been reported in obese individuals (Folon et al. 2023. PubMed ID: 36822744; Table 3 and Supplemental Data Set, Shah et al. 2023. PubMed ID: 36864747; Yu et al. 2023. PubMed ID: 37327085). Functional studies show inconclusive evidence of loss of function (Folon et al. 2023. PubMed ID: 36822744; Table 3 and Supplemental Data Set, Shah et al. 2023. PubMed ID: 36864747). This variant is reported in 0.011% of alleles in individuals of East Asian descent in gnomAD. At this time, the clinical significance of this variant is uncertain due to the absence of conclusive functional and genetic evidence.

New York Genome Center
Classification: Uncertain significance for Body mass index quantitative trait locus 12; Obesity due to prohormone convertase I deficiency. Last evaluated: 2021-03-21. Review status: criteria provided, single submitter. Criteria: NYGC Assertion Criteria 2020. Collection method: clinical testing. Allele origin: germline. Observed: 1 heterozygote.

NM_000439.5(PCSK1):c.1381G>A (p.Val461Met)

Genes: PCSK1 (proprotein convertase subtilisin/kexin type 1; minus strand), CAST (calpastatin; plus strand), LOC101929710 (uncharacterized LOC101929710; plus strand). Cytogenetic location: 5q15.
Variant type: single nucleotide variant.
Coding change: c.1381G>A on transcript NM_000439.5 (MANE Select); coding-DNA position 1381, G replaced by A.
Protein change: p.Val461Met; replaces valine 461 with methionine.
Molecular consequence: missense variant.
Genome position (GRCh38, 1-based): chr5:96,400,002, C>T on the plus strand (G>A on the coding strand, the complement: PCSK1 is on the minus strand). VCF-style: chr5-96400002-C-T. GRCh37 (hg19) VCF-style: chr5-95735706-C-T.
Other names: c.1240G>A, p.Val414Met (NM_001177875.2); c.1381G>A (NM_000439.4); short protein forms V414M, V461M.
Identifiers: ClinVar variation 1803814 (VCV001803814.5), dbSNP rs780394907, ClinGen allele CA3350236.